The following is an entry in ClinVar:

NM_000536.4(RAG2):c.1338C>G (p.Cys446Trp)

Gene: RAG2 (recombination activating 2; minus strand). Cytogenetic location: 11p12.
Variant type: single nucleotide variant.
Coding change: c.1338C>G on transcript NM_000536.4 (MANE Select); coding-DNA position 1338, C replaced by G.
Protein change: p.Cys446Trp; replaces cysteine 446 with tryptophan.
Molecular consequence: missense variant.
Genome position (GRCh38, 1-based): chr11:36,592,831, G>C on the plus strand (C>G on the coding strand, the complement: RAG2 is on the minus strand). VCF-style: chr11-36592831-G-C. GRCh37 (hg19) VCF-style: chr11-36614381-G-C.
Other names: NM_000536.4(RAG2):c.1338C>G; p.Cys446Trp; c.1338C>G, p.Cys446Trp (NM_001243785.2, NM_001243786.2); short protein forms C446W.
Identifiers: ClinVar variation 496629 (VCV000496629.5), dbSNP rs1564995660, ClinGen allele CA380140584.

ClinVar aggregate classification (germline): Likely pathogenic. Review status: reviewed by expert panel (3 of 4 stars). 4 submissions from 4 submitters: Likely pathogenic (1). 3 of the submissions do not count toward it. Last evaluated 2024-01-23.

Conditions:
Recombinase activating gene 2 deficiency. Also called: RAG2 deficiency. Identifiers: MedGen CN257931, MONDO:0000573.
Severe combined immunodeficiency, autosomal recessive, T cell-negative, B cell-negative, NK cell-positive. Also called: Severe combined immunodeficiency due to complete RAG1/2 deficiency; SCID, T CELL-NEGATIVE, B CELL-NEGATIVE, NK CELL-POSITIVE; SCID, AR, T-cell negative, B-cell negative, NK cell-positive. Identifiers: Orphanet 331206, MedGen C1832322, MONDO:0011086, OMIM 601457.
Inborn error of immunity. Also called: Inborn errors of immunity; Primary immunodeficiency. Identifiers: Orphanet 101997, MedGen C0398686, MONDO:0003778.

Allele frequency attached by ClinVar (database versions not stated): gnomAD 0.00001.
gnomAD v4.1: 1 of 1,613,934 alleles (0.000062%); highest among the groups gnomAD compares: African/African-American, 0.0013%; no homozygotes.

Submissions (4):

ClinGen Severe Combined Immunodeficiency Variant Curation Expert Panel, ClinGen
Classification: Likely pathogenic for Recombinase activating gene 2 deficiency. Last evaluated: 2024-01-23. Review status: reviewed by expert panel. Criteria: ClinGen SCID ACMG Specifications RAG2 V1.0.0. Collection method: curation. Allele origin: germline. Inheritance: Autosomal recessive inheritance.
Comment: The c.1338C>G (NM_000536.4) variant in RAG2 is a missense variant predicted to cause substitution of Cysteine by Tryptophan at amino acid 446 (p.Cys446Trp). This variant is absent from gnomAD v2.1.1 (PM2_Supporting). This variant is located in the PHD domain, amino acids 414-487 of RAG2, which is defined as a critical functional domain by the ClinGen SCID VCEP (PMID: 26996199); PM1_Moderate. The recombination activity assay showed activity of this variant compared to wildtype RAG2 is 2.9% (SEM 0.1), which is lower than the SCID VCEP threshold (<25%) for PS3_Moderate, meeting this criterion (PS3_Moderate, PMID 29772310). Diagnostic criteria for SCID/Leaky SCID/Omenn syndrome met 0.5 pts + T-B-NK+ lymphocyte subset profile 0.5 pts, PP4 is met (PMID: 20234091). A second report describes one homozygous patient, 0.5 pts, PM3_Supporting (PMID: 31973905). In summary, this variant meets the criteria to be classified as Likely Pathogenic for autosomal recessive recombinase activating gene 2 deficiency based on the ACMG/AMP criteria applied, as specified by the ClinGen SCID VCEP. Criteria applied: PM2_Supporting, PM1_Moderate, PS3_Moderate, PM3_Supporting, and PP4 (VCEP specifications version 1.0).

Genomic Medicine Center of Excellence, King Faisal Specialist Hospital and Research Centre
Classification: Likely pathogenic for Severe combined immunodeficiency, autosomal recessive, T cell-negative, B cell-negative, NK cell-positive. Last evaluated: 2025-09-10. Review status: criteria provided, single submitter. Criteria: ACMG Guidelines, 2015. Collection method: clinical testing. Allele origin: germline. Not counted in ClinVar's aggregate classification.

3billion
Classification: Likely pathogenic for Severe combined immunodeficiency, autosomal recessive, T cell-negative, B cell-negative, NK cell-positive. Last evaluated: 2024-07-01. Review status: criteria provided, single submitter. Criteria: ACMG Guidelines, 2015. Collection method: clinical testing. Allele origin: germline. Affected: yes. Not counted in ClinVar's aggregate classification.
Comment: The variant is observed at an extremely low frequency in the gnomAD v4.0.0 dataset (total allele frequency: <0.001%). Predicted Consequence/Location: Missense variant In silico tool predictions suggest damaging effect of the variant on gene or gene product [REVEL: 0.80 (>=0.6, sensitivity 0.68 and specificity 0.92); 3Cnet: 0.83 (>=0.6, sensitivity 0.72 and precision 0.9)]. The same nucleotide change resulting in the same amino acid change has been previously reported as pathogenic/likely pathogenic with strong evidence (ClinVar ID: VCV000496629 /PMID: 20234091). Therefore, this variant is classified as Likely pathogenic according to the recommendation of ACMG/AMP guideline.

Pediatric Immunology Service, The Chaim Sheba Medical Center at Tel HaShomer
Classification: Likely pathogenic for RAG2 deficiency; Primary immunodeficiency. Last evaluated: 2018-03-06. Review status: criteria provided, single submitter. Criteria: ACMG Guidelines, 2015. Collection method: research. Allele origin: germline. Affected: yes. Not counted in ClinVar's aggregate classification.

Literature cited by the submitters: PubMed 20234091 (cited by 3billion).